The following is an entry in ClinVar:

NM_000059.4(BRCA2):c.4340T>C (p.Val1447Ala)

Gene: BRCA2 (BRCA2 DNA repair associated; plus strand). Cytogenetic location: 13q13.1.
Variant type: single nucleotide variant.
Coding change: c.4340T>C on transcript NM_000059.4 (MANE Select); coding-DNA position 4340, T replaced by C.
Protein change: p.Val1447Ala; replaces valine 1447 with alanine.
Molecular consequence: missense variant.
Genome position (GRCh38, 1-based): chr13:32,338,695, T>C. VCF-style: chr13-32338695-T-C. GRCh37 (hg19) VCF-style: chr13-32912832-T-C.
Other names: c.4340T>C (NM_000059.3); short protein forms V1447A.
Identifiers: ClinVar variation 1021080 (VCV001021080.11), dbSNP rs2072501995, ClinGen allele CA387780887.

ClinVar aggregate classification (germline): Conflicting classifications of pathogenicity. Review status: criteria provided, conflicting classifications (1 of 4 stars). 3 submissions from 3 submitters: Uncertain significance (2); Likely benign (1). Last evaluated 2025-03-28.

Conditions:
Hereditary cancer-predisposing syndrome. Also called: Hereditary Cancer Syndrome; Neoplastic Syndromes, Hereditary; Tumor predisposition; Hereditary neoplastic syndrome. Identifiers: Orphanet 140162, MedGen C0027672, MeSH D009386, MONDO:0015356.
Hereditary breast ovarian cancer syndrome. Also called: Breast and ovarian cancer; Hereditary breast and ovarian cancer syndrome (HBOC); Hereditary breast and ovarian cancer; Hereditary breast and/or ovarian cancer syndrome; BRCA1- and BRCA2-Associated Hereditary Breast and Ovarian Cancer; Hereditary breast and ovarian cancer syndrome. Identifiers: Orphanet 145, MedGen C0677776, MeSH D061325, MONDO:0003582. Disease mechanism: loss of function.

Submissions (3):

Ambry Genetics
Classification: Uncertain significance for Hereditary cancer-predisposing syndrome. Last evaluated: 2025-03-28. Review status: criteria provided, single submitter. Criteria: Ambry Variant Classification Scheme 2023. Collection method: clinical testing. Allele origin: germline.
Comment: The p.V1447A variant (also known as c.4340T>C), located in coding exon 10 of the BRCA2 gene, results from a T to C substitution at nucleotide position 4340. The valine at codon 1447 is replaced by alanine, an amino acid with similar properties. This amino acid position is conserved. In addition, this alteration is predicted to be tolerated by in silico analysis. Based on the available evidence, the clinical significance of this variant remains unclear.

University of Washington Department of Laboratory Medicine, University of Washington
Classification: Likely benign for Hereditary cancer-predisposing syndrome. Last evaluated: 2023-03-23. Review status: criteria provided, single submitter. Criteria: Dines et al. (Genet Med. 2020). Collection method: curation. Allele origin: germline.
Comment: Missense variant in a coldspot region where missense variants are very unlikely to be pathogenic (PMID:31911673).

BRCA2 exon 11 coldspot. Reclassification based on statistical prior probability.

Labcorp Genetics (formerly Invitae), Labcorp
Classification: Uncertain significance for Hereditary breast ovarian cancer syndrome. Last evaluated: 2020-06-17. Review status: criteria provided, single submitter. Criteria: Invitae Variant Classification Sherloc (09022015). Collection method: clinical testing. Allele origin: germline.
Comment: This variant is not present in population databases (ExAC no frequency). In summary, the available evidence is currently insufficient to determine the role of this variant in disease. Therefore, it has been classified as a Variant of Uncertain Significance. Algorithms developed to predict the effect of missense changes on protein structure and function output the following: SIFT: "Tolerated"; PolyPhen-2: "Benign"; Align-GVGD: "Class C0". The alanine amino acid residue is found in multiple mammalian species, suggesting that this missense change does not adversely affect protein function. These predictions have not been confirmed by published functional studies and their clinical significance is uncertain. This variant has not been reported in the literature in individuals with BRCA2-related conditions. This sequence change replaces valine with alanine at codon 1447 of the BRCA2 protein (p.Val1447Ala). The valine residue is weakly conserved and there is a small physicochemical difference between valine and alanine.